The following is an entry in ClinVar:

NM_025132.4(WDR19):c.2450T>A (p.Val817Glu)

Gene: WDR19 (WD repeat domain 19; plus strand). Cytogenetic location: 4p14.
Variant type: single nucleotide variant.
Coding change: c.2450T>A on transcript NM_025132.4 (MANE Select); coding-DNA position 2450, T replaced by A.
Protein change: p.Val817Glu; replaces valine 817 with glutamic acid.
Molecular consequence: missense variant.
Genome position (GRCh38, 1-based): chr4:39,244,276, T>A. VCF-style: chr4-39244276-T-A. GRCh37 (hg19) VCF-style: chr4-39245896-T-A.
Other names: c.1970T>A, p.Val657Glu (NM_001317924.2); short protein forms V657E, V817E.
Identifiers: ClinVar variation 1369125 (VCV001369125.9), dbSNP rs749621367, ClinGen allele CA2892085.

ClinVar aggregate classification (germline): Uncertain significance. Review status: criteria provided, multiple submitters, no conflicts (2 of 4 stars). 2 submissions from 2 submitters: Uncertain significance (2). Last evaluated 2024-10-26.

Conditions:
Nephronophthisis 13 (NPHP13). Identifiers: Orphanet 655, MedGen C3280612, MONDO:0013718, OMIM 614377.
Spermatogenic failure 72 (SPGF72). Identifiers: MedGen C5676980, MONDO:0030809, OMIM 619867.
Cranioectodermal dysplasia 4 (CED4). Identifiers: Orphanet 1515, MedGen C3280616, MONDO:0013719, OMIM 614378.
Asphyxiating thoracic dystrophy 5 (SRTD5). Also called: SHORT-RIB THORACIC DYSPLASIA 5 WITH OR WITHOUT POLYDACTYLY; SHORT-RIB THORACIC DYSPLASIA 5 WITHOUT POLYDACTYLY. Identifiers: Orphanet 474, MedGen C3280598, MONDO:0013717, OMIM 614376.
Senior-Loken syndrome 8 (SLSN8). Identifiers: Orphanet 3156, MedGen C4225376, MONDO:0014579, OMIM 616307.

Allele frequency attached by ClinVar (database versions not stated): gnomAD exomes 0.00001 and 0.00002; ExAC 0.00002; TOPMed 0.00003; gnomAD 0.00005.
gnomAD v4.1: 10 of 1,613,088 alleles (0.00062%); highest among the groups gnomAD compares: Middle Eastern, 0.017%; no homozygotes.

Submissions (2):

Labcorp Genetics (formerly Invitae), Labcorp
Classification: Uncertain significance for Senior-Loken syndrome 8; Asphyxiating thoracic dystrophy 5. Last evaluated: 2024-10-26. Review status: criteria provided, single submitter. Criteria: Invitae Variant Classification Sherloc (09022015). Collection method: clinical testing. Allele origin: germline.
Comment: This sequence change replaces valine, which is neutral and non-polar, with glutamic acid, which is acidic and polar, at codon 817 of the WDR19 protein (p.Val817Glu). This variant is present in population databases (rs749621367, gnomAD 0.03%). This variant has not been reported in the literature in individuals affected with WDR19-related conditions. ClinVar contains an entry for this variant (Variation ID: 1369125). Invitae Evidence Modeling of protein sequence and biophysical properties (such as structural, functional, and spatial information, amino acid conservation, physicochemical variation, residue mobility, and thermodynamic stability) indicates that this missense variant is not expected to disrupt WDR19 protein function with a negative predictive value of 80%. In summary, the available evidence is currently insufficient to determine the role of this variant in disease. Therefore, it has been classified as a Variant of Uncertain Significance.

Fulgent Genetics
Classification: Uncertain significance for Asphyxiating thoracic dystrophy 5; Nephronophthisis 13; Cranioectodermal dysplasia 4; Senior-Loken syndrome 8; Spermatogenic failure 72. Last evaluated: 2022-03-31. Review status: criteria provided, single submitter. Criteria: ACMG Guidelines, 2015. Collection method: clinical testing. Allele origin: unknown.